The following is an entry in ClinVar:

NM_000368.5(TSC1):c.866C>G (p.Ser289Ter)

Gene: TSC1 (TSC complex subunit 1; minus strand). Cytogenetic location: 9q34.13.
Variant type: single nucleotide variant.
Coding change: c.866C>G on transcript NM_000368.5 (MANE Select); coding-DNA position 866, C replaced by G.
Protein change: p.Ser289Ter; replaces serine 289 with a stop codon.
Molecular consequence: nonsense.
Genome position (GRCh38, 1-based): chr9:132,912,329, G>C on the plus strand (C>G on the coding strand, the complement: TSC1 is on the minus strand). VCF-style: chr9-132912329-G-C. GRCh37 (hg19) VCF-style: chr9-135787716-G-C.
Other names: c.866C>G, p.Ser289Ter (NM_001162426.2); c.713C>G, p.Ser238Ter (NM_001162427.2); c.503C>G, p.Ser168Ter (NM_001362177.2); short protein forms S289*, S168*, S238*.
Identifiers: ClinVar variation 64822 (VCV000064822.5), dbSNP rs397514867, ClinGen allele CA008332.

ClinVar aggregate classification (germline): Pathogenic. Review status: criteria provided, multiple submitters, no conflicts (2 of 4 stars). 4 submissions from 4 submitters: Pathogenic (2). 2 of the submissions do not count toward it. Last evaluated 2024-07-16.

Conditions:
Tuberous sclerosis syndrome (TSC). Also called: Tuberous Sclerosis Complex; Tuberous sclerosis. Identifiers: Orphanet 805, MedGen C0041341, MONDO:0001734.
Tuberous sclerosis 1 (TSC1). Identifiers: Orphanet 805, MedGen C1854465, MONDO:0008612, OMIM 191100.

Submissions (4):

Labcorp Genetics (formerly Invitae), Labcorp
Classification: Pathogenic for Tuberous sclerosis 1. Last evaluated: 2024-07-16. Review status: criteria provided, single submitter. Criteria: Invitae Variant Classification Sherloc (09022015). Collection method: clinical testing. Allele origin: germline.
Comment: This sequence change creates a premature translational stop signal (p.Ser289*) in the TSC1 gene. It is expected to result in an absent or disrupted protein product. Loss-of-function variants in TSC1 are known to be pathogenic (PMID: 10227394, 17304050). This variant is not present in population databases (gnomAD no frequency). This premature translational stop signal has been observed in individual(s) with Tuberous Sclerosis Complex (PMID: 35918040). ClinVar contains an entry for this variant (Variation ID: 64822). For these reasons, this variant has been classified as Pathogenic.

Athena Diagnostics
Classification: Pathogenic for Tuberous sclerosis 1. Last evaluated: 2014-10-17. Review status: criteria provided, single submitter. Criteria: Athena Diagnostics Criteria. Collection method: clinical testing. Allele origin: germline. Inheritance: Autosomal dominant inheritance.

Division of Genomic Medicine, Department of Advanced Medicine, Medical Research Institute, Kanazawa Medical University
Classification: Pathogenic for Tuberous sclerosis 1. Last evaluated: 2020-06-09. Review status: no assertion criteria provided. Collection method: clinical testing. Allele origin: germline. Affected: yes. Observed: 1 variant allele. Not counted in ClinVar's aggregate classification.

Tuberous sclerosis database (TSC1)
No classification provided. Condition: TSC. Review status: no classification provided. Criteria: Tuberous Sclerosis Database Assertion Criteria 2015. Collection method: curation. Allele origin: germline. Affected: yes. Not counted in ClinVar's aggregate classification.

Literature cited by the submitters: PubMed 10227394 (cited by Labcorp Genetics (formerly Invitae), Labcorp); PubMed 17304050 (cited by Labcorp Genetics (formerly Invitae), Labcorp); PubMed 35918040 (cited by Labcorp Genetics (formerly Invitae), Labcorp); PubMed 15798777 (cited by Athena Diagnostics); PubMed 18032745 (cited by Athena Diagnostics).